The following is an entry in ClinVar:

ClinVar aggregate classification (germline): Uncertain significance (1 of 4 stars; one submission).

Conditions:
Idiopathic generalized epilepsy. Also called: Generalised epilepsy; EIG. Identifiers: MedGen C0270850, MONDO:0005579, OMIM 600669.
Hyperaldosteronism, familial, type IV (HALD4). Also called: FH IV; ALDOSTERONISM, PRIMARY, AND HYPERTENSION. Identifiers: Orphanet 642671, MedGen C4310756, MONDO:0014875, OMIM 617027.

Submission:

Labcorp Genetics (formerly Invitae), Labcorp
Classification: Uncertain significance for Idiopathic generalized epilepsy; Hyperaldosteronism, familial, type IV. Last evaluated: 2024-05-10. Review status: criteria provided, single submitter. Criteria: Invitae Variant Classification Sherloc (09022015). Collection method: clinical testing. Allele origin: germline.
Comment: This sequence change replaces proline, which is neutral and non-polar, with leucine, which is neutral and non-polar, at codon 19 of the CACNA1H protein (p.Pro19Leu). This variant is not present in population databases (gnomAD no frequency). This variant has not been reported in the literature in individuals affected with CACNA1H-related conditions. Advanced modeling of protein sequence and biophysical properties (such as structural, functional, and spatial information, amino acid conservation, physicochemical variation, residue mobility, and thermodynamic stability) performed at Invitae indicates that this missense variant is not expected to disrupt CACNA1H protein function with a negative predictive value of 95%. In summary, the available evidence is currently insufficient to determine the role of this variant in disease. Therefore, it has been classified as a Variant of Uncertain Significance.

NM_021098.3(CACNA1H):c.56C>T (p.Pro19Leu)

Gene: CACNA1H (calcium voltage-gated channel subunit alpha1 H; plus strand). Cytogenetic location: 16p13.3.
Variant type: single nucleotide variant.
Coding change: c.56C>T on transcript NM_021098.3 (MANE Select); coding-DNA position 56, C replaced by T.
Protein change: p.Pro19Leu; replaces proline 19 with leucine.
Molecular consequence: missense variant.
Genome position (GRCh38, 1-based): chr16:1,153,793, C>T. VCF-style: chr16-1153793-C-T. GRCh37 (hg19) VCF-style: chr16-1203793-C-T.
Other names: c.56C>T, p.Pro19Leu (NM_001005407.2); short protein forms P19L.
Identifiers: ClinVar variation 3749214 (VCV003749214.2).
Genomic context (GRCh38, chr16:1,153,793, plus strand): 5'-CCACCATGACCGAGGGCGCACGGGCCGCCGACGAGGTCCGGGTGCCCCTGGGCGCGCCGC[C>T]CCCTGGCCCTGCGGCGTTGGTGGGGGCGTCCCCGGAGAGCCCCGGGGCGCCGGGACGCGA-3'
Protein context (NP_066921.2, residues 9-29): DEVRVPLGAP[Pro19Leu]PGPAALVGAS